The following is an entry in ClinVar:

ClinVar aggregate classification (germline): Uncertain significance. Review status: criteria provided, multiple submitters, no conflicts (2 of 4 stars). 3 submissions from 3 submitters: Uncertain significance (3). Last evaluated 2026-04-02.

Conditions:
LSR-related condition.

gnomAD v4.1: 19 of 1,609,044 alleles (0.0012%); highest among the groups gnomAD compares: Admixed American, 0.014%; no homozygotes.

Submissions (3):

PreventionGenetics, part of Exact Sciences
Classification: Uncertain significance for LSR-related condition. Last evaluated: 2026-04-02. Review status: criteria provided, single submitter. Criteria: ACMG Guidelines, 2015. Collection method: clinical testing. Allele origin: germline.
Comment: The LSR c.130G>A variant is predicted to result in the amino acid substitution p.Ala44Thr. To our knowledge, this variant has not been reported in the literature. This variant is reported in 0.0030% of alleles in individuals of Latino descent in gnomAD. At this time, the clinical significance of this variant is uncertain due to the absence of conclusive functional and genetic evidence.

Labcorp Genetics (formerly Invitae), Labcorp
Classification: Uncertain significance. Last evaluated: 2026-01-19. Review status: criteria provided, single submitter. Criteria: Invitae Variant Classification Sherloc (09022015). Collection method: clinical testing. Allele origin: germline.
Comment: This sequence change replaces alanine, which is neutral and non-polar, with threonine, which is neutral and polar, at codon 44 of the LSR protein (p.Ala44Thr). This variant is present in population databases (no rsID available, gnomAD 0.003%). This variant has not been reported in the literature in individuals affected with LSR-related conditions. ClinVar contains an entry for this variant (Variation ID: 1911637). An algorithm developed to predict the effect of missense changes on protein structure and function (PolyPhen-2) suggests that this variant is likely to be tolerated. In summary, the available evidence is currently insufficient to determine the role of this variant in disease. Therefore, it has been classified as a Variant of Uncertain Significance.

Ambry Genetics
Classification: Uncertain significance. Last evaluated: 2025-11-12. Review status: criteria provided, single submitter. Criteria: Ambry Variant Classification Scheme 2023. Collection method: clinical testing. Allele origin: germline.

NM_205834.4(LSR):c.-15G>A

Gene: LSR (lipolysis stimulated lipoprotein receptor; plus strand). Cytogenetic location: 19q13.12.
Variant type: single nucleotide variant.
Coding change: c.-15G>A on transcript NM_205834.4 (MANE Select); 15 bases upstream of the start codon, G replaced by A.
Molecular consequence: 5 prime UTR variant.
Genome position (GRCh38, 1-based): chr19:35,249,008, G>A. VCF-style: chr19-35249008-G-A. GRCh37 (hg19) VCF-style: chr19-35739911-G-A.
Other names: c.130G>A (NM_205834.2, NM_205834.3); c.-15G>A (NM_001260489.2, NM_001260490.2, NM_001385215.1 and 2 more transcripts).
Identifiers: ClinVar variation 1911637 (VCV001911637.8), dbSNP rs367748265, ClinGen allele CA307712627.